The following is an entry in ClinVar:

ClinVar aggregate classification (germline): Uncertain significance (1 of 4 stars; one submission).

gnomAD v4.1: 2 of 1,614,204 alleles (0.00012%); highest among the groups gnomAD compares: Non-Finnish European, 0.000085%; no homozygotes.

Submission:

GeneDx
Classification: Uncertain significance. Last evaluated: 2024-10-21. Review status: criteria provided, single submitter. Criteria: GeneDx Variant Classification Process June 2021. Collection method: clinical testing. Allele origin: germline. Affected: yes.
Comment: Not observed at significant frequency in large population cohorts (gnomAD); In silico analysis supports that this missense variant has a deleterious effect on protein structure/function; Has not been previously published as pathogenic or benign to our knowledge

NM_001282534.2(KCNK9):c.524C>T (p.Ala175Val)

Gene: KCNK9 (potassium two pore domain channel subfamily K member 9; minus strand). Cytogenetic location: 8q24.3.
Variant type: single nucleotide variant.
Coding change: c.524C>T on transcript NM_001282534.2 (MANE Select); coding-DNA position 524, C replaced by T.
Protein change: p.Ala175Val; replaces alanine 175 with valine.
Molecular consequence: missense variant. On other transcripts: non-coding transcript variant (1).
Genome position (GRCh38, 1-based): chr8:139,618,859, G>A on the plus strand (C>T on the coding strand, the complement: KCNK9 is on the minus strand). VCF-style: chr8-139618859-G-A. GRCh37 (hg19) VCF-style: chr8-140631102-G-A.
Other names: short protein forms A175V.
Identifiers: ClinVar variation 3781286 (VCV003781286.1).
Genomic context (GRCh38, chr8:139,618,859, plus strand): 5'-ATGAAGCAGTAGTAGTAGGCGTGGAAGAAGCTCCACTCCTCACACTGGGAGAAGGCGGCC[G>A]CCCCGATGCACAGCGTCCCCATGCAGGAGAAGAAGCCCACAGTCACCATGTTCTCCATAG-3'
Protein context (NP_001269463.1, residues 165-185): FSCMGTLCIG[Ala175Val]AAFSQCEEWS